The following is an entry in ClinVar:

NM_020937.4(FANCM):c.5221A>G (p.Thr1741Ala)

Gene: FANCM (FA complementation group M; plus strand). Cytogenetic location: 14q21.2.
Variant type: single nucleotide variant.
Coding change: c.5221A>G on transcript NM_020937.4 (MANE Select); coding-DNA position 5221, A replaced by G.
Protein change: p.Thr1741Ala; replaces threonine 1741 with alanine.
Molecular consequence: missense variant.
Genome position (GRCh38, 1-based): chr14:45,189,243, A>G. VCF-style: chr14-45189243-A-G. GRCh37 (hg19) VCF-style: chr14-45658446-A-G.
Other names: c.5143A>G, p.Thr1715Ala (NM_001308133.2); short protein forms T1715A, T1741A.
Identifiers: ClinVar variation 4619629 (VCV004619629.1).
Genomic context (GRCh38, chr14:45,189,243, plus strand): 5'-ACTCCAAGAGTTAATCCATTAGCAAAGCAGAGCAAACAGACATCGCTGAATTTAAAGGAT[A>G]CAATTTCCGAAGTCTCAGACTTCAAACCTCAGAATCATAATGAAGTCCAGTCTACCACAC-3'
Protein context (NP_065988.1, residues 1731-1751): SKQTSLNLKD[Thr1741Ala]ISEVSDFKPQ

ClinVar aggregate classification (germline): Uncertain significance (1 of 4 stars; one submission).

Conditions:
Inborn genetic diseases. Identifiers: MedGen C0950123, MeSH D030342.

gnomAD v4.1: 1 of 1,613,994 alleles (0.000062%); highest among the groups gnomAD compares: African/African-American, 0.0013%; no homozygotes.

Submission:

Ambry Genetics
Classification: Uncertain significance for Inborn genetic diseases. Last evaluated: 2025-12-07. Review status: criteria provided, single submitter. Criteria: Ambry Variant Classification Scheme 2023. Collection method: clinical testing. Allele origin: germline.
Comment: The p.T1741A variant (also known as c.5221A>G), located in coding exon 20 of the FANCM gene, results from an A to G substitution at nucleotide position 5221. The threonine at codon 1741 is replaced by alanine, an amino acid with similar properties. This amino acid position is conserved. In addition, this alteration is predicted to be tolerated by in silico analysis. Based on the available evidence, the clinical significance of this variant remains unclear.